The following is an entry in ClinVar:

ClinVar aggregate classification (germline): Likely pathogenic (1 of 4 stars; one submission).

Submission:

Labcorp Genetics (formerly Invitae), Labcorp
Classification: Likely pathogenic. Last evaluated: 2023-07-10. Review status: criteria provided, single submitter. Criteria: Invitae Variant Classification Sherloc (09022015). Collection method: clinical testing. Allele origin: germline.
Comment: In summary, the currently available evidence indicates that the variant is pathogenic, but additional data are needed to prove that conclusively. Therefore, this variant has been classified as Likely Pathogenic. Algorithms developed to predict the effect of sequence changes on RNA splicing suggest that this variant may disrupt the consensus splice site. ClinVar contains an entry for this variant (Variation ID: 1489201). This variant has not been reported in the literature in individuals affected with MPDZ-related conditions. This variant is not present in population databases (gnomAD no frequency). This sequence change affects a donor splice site in intron 34 of the MPDZ gene. It is expected to disrupt RNA splicing. Variants that disrupt the donor or acceptor splice site typically lead to a loss of protein function (PMID: 16199547), and loss-of-function variants in MPDZ are known to be pathogenic (PMID: 23240096, 28556411).

Literature cited by the submitters: PubMed 16199547; PubMed 23240096; PubMed 28556411.

NM_001378778.1(MPDZ):c.4632+1G>T

Gene: MPDZ (multiple PDZ domain crumbs cell polarity complex component; minus strand). Cytogenetic location: 9p23.
Variant type: single nucleotide variant.
Coding change: c.4632+1G>T on transcript NM_001378778.1 (MANE Select); the canonical splice donor site of the intron after coding-DNA position 4632, G replaced by T.
Molecular consequence: splice donor variant.
Genome position (GRCh38, 1-based): chr9:13,126,515, C>A on the plus strand (G>T on the coding strand, the complement: MPDZ is on the minus strand). VCF-style: chr9-13126515-C-A. GRCh37 (hg19) VCF-style: chr9-13126514-C-A.
Other names: c.4422+1G>T (NM_001375425.1, NM_001375420.1, NM_001375423.1 and 4 more transcripts); c.4533+1G>T (NM_001375419.1, NM_001375416.1, NM_001375418.1 and 3 more transcripts); c.4632+1G>T (NM_001330637.2, NM_003829.5); c.4224+1G>T (NM_001375427.1); c.4731+1G>T (NM_001375413.1).
Identifiers: ClinVar variation 1489201 (VCV001489201.6), dbSNP rs1945141397, ClinGen allele CA372946881.